The following is an entry in ClinVar:

NM_002691.4(POLD1):c.1495-3C>G

Gene: POLD1 (DNA polymerase delta 1, catalytic subunit; plus strand). Cytogenetic location: 19q13.33.
Variant type: single nucleotide variant.
Coding change: c.1495-3C>G on transcript NM_002691.4 (MANE Select); 3 bases into the intron before coding-DNA position 1495, C replaced by G.
Molecular consequence: intron variant.
Genome position (GRCh38, 1-based): chr19:50,406,980, C>G. VCF-style: chr19-50406980-C-G. GRCh37 (hg19) VCF-style: chr19-50910237-C-G.
Other names: c.1495-3C>G (NM_001256849.1, NM_001308632.1).
Identifiers: ClinVar variation 934277 (VCV000934277.9), dbSNP rs1555791320, ClinGen allele CA1139666558.

ClinVar aggregate classification (germline): Uncertain significance (1 of 4 stars; one submission).

Conditions:
POLD1-related polyposis and colorectal cancer syndrome (CRCS10). Also called: Colorectal cancer 10; COLORECTAL CANCER, SUSCEPTIBILITY TO, ON CHROMOSOME 19q; Colorectal cancer, susceptibility to, 10. Identifiers: Orphanet 220460, MedGen C2675481, MONDO:0012953, OMIM 612591.

Submission:

Labcorp Genetics (formerly Invitae), Labcorp
Classification: Uncertain significance for POLD1-related polyposis and colorectal cancer syndrome. Last evaluated: 2023-06-23. Review status: criteria provided, single submitter. Criteria: Invitae Variant Classification Sherloc (09022015). Collection method: clinical testing. Allele origin: germline.
Comment: In summary, the available evidence is currently insufficient to determine the role of this variant in disease. Therefore, it has been classified as a Variant of Uncertain Significance. This sequence change falls in intron 12 of the POLD1 gene. It does not directly change the encoded amino acid sequence of the POLD1 protein. It affects a nucleotide within the consensus splice site. This variant is not present in population databases (gnomAD no frequency). This variant has not been reported in the literature in individuals affected with POLD1-related conditions. ClinVar contains an entry for this variant (Variation ID: 934277). Variants that disrupt the consensus splice site are a relatively common cause of aberrant splicing (PMID: 17576681, 9536098). Algorithms developed to predict the effect of sequence changes on RNA splicing suggest that this variant may create or strengthen a splice site.

Literature cited by the submitters: PubMed 17576681; PubMed 9536098.